The following is an entry in ClinVar:

NM_001283009.2(RTEL1):c.194A>T (p.Asp65Val)

Genes: RTEL1 (regulator of telomere elongation helicase 1; plus strand), RTEL1-TNFRSF6B (RTEL1-TNFRSF6B readthrough (NMD candidate); plus strand). Cytogenetic location: 20q13.33.
Variant type: single nucleotide variant.
Coding change: c.194A>T on transcript NM_001283009.2 (MANE Select); coding-DNA position 194, A replaced by T.
Protein change: p.Asp65Val; replaces aspartic acid 65 with valine.
Molecular consequence: missense variant. On other transcripts: non-coding transcript variant (1), 5 prime UTR variant (1).
Genome position (GRCh38, 1-based): chr20:63,661,389, A>T. VCF-style: chr20-63661389-A-T. GRCh37 (hg19) VCF-style: chr20-62292742-A-T.
Other names: c.-476A>T (NM_001283010.1); c.194A>T, p.Asp65Val (NM_016434.4, NM_032957.5); short protein forms D65V.
Identifiers: ClinVar variation 2945911 (VCV002945911.3), dbSNP rs767133792, ClinGen allele CA409657927.

ClinVar aggregate classification (germline): Uncertain significance (1 of 4 stars; one submission).

Conditions:
Dyskeratosis congenita, autosomal recessive 5 (DKCB5). Identifiers: MedGen C3554656, MONDO:0014076, OMIM 615190.
Pulmonary fibrosis and/or bone marrow failure, Telomere-related, 3. Also called: PULMONARY FIBROSIS AND/OR BONE MARROW FAILURE SYNDROME, TELOMERE-RELATED, 3. Identifiers: Orphanet 2032, MedGen C4225346, MONDO:0014613, OMIM 616373.

Submission:

Labcorp Genetics (formerly Invitae), Labcorp
Classification: Uncertain significance for Dyskeratosis congenita, autosomal recessive 5; Pulmonary fibrosis and/or bone marrow failure, Telomere-related, 3. Last evaluated: 2023-03-28. Review status: criteria provided, single submitter. Criteria: Invitae Variant Classification Sherloc (09022015). Collection method: clinical testing. Allele origin: germline.
Comment: This sequence change replaces aspartic acid, which is acidic and polar, with valine, which is neutral and non-polar, at codon 65 of the RTEL1 protein (p.Asp65Val). In summary, the available evidence is currently insufficient to determine the role of this variant in disease. Therefore, it has been classified as a Variant of Uncertain Significance. An algorithm developed to predict the effect of missense changes on protein structure and function (PolyPhen-2) suggests that this variant is likely to be disruptive. This variant has not been reported in the literature in individuals affected with RTEL1-related conditions. This variant is not present in population databases (gnomAD no frequency).